The following is an entry in ClinVar:

NM_023110.3(FGFR1):c.1417C>G (p.Leu473Val)

Gene: FGFR1 (fibroblast growth factor receptor 1; minus strand). Cytogenetic location: 8p11.23.
Variant type: single nucleotide variant.
Coding change: c.1417C>G on transcript NM_023110.3 (MANE Select); coding-DNA position 1417, C replaced by G.
Protein change: p.Leu473Val; replaces leucine 473 with valine.
Molecular consequence: missense variant.
Genome position (GRCh38, 1-based): chr8:38,418,241, G>C on the plus strand (C>G on the coding strand, the complement: FGFR1 is on the minus strand). VCF-style: chr8-38418241-G-C. GRCh37 (hg19) VCF-style: chr8-38275759-G-C.
Other names: NC_000008.10:g.38275759G>C; c.1411C>G, p.Leu471Val (NM_001174063.2, NM_001174065.2, NM_001354367.2 and 1 more transcripts); c.1387C>G, p.Leu463Val (NM_001174064.2); c.1150C>G, p.Leu384Val (NM_001174066.2, NM_023105.3); c.1510C>G, p.Leu504Val (NM_001174067.2); c.1138C>G, p.Leu380Val (NM_001354368.2); c.1405C>G, p.Leu469Val (NM_001354369.2); c.1144C>G, p.Leu382Val (NM_001354370.2, NM_023106.3); short protein forms L380V, L382V, L384V, L463V, L469V, L471V, L473V, L504V.
Identifiers: ClinVar variation 1311317 (VCV001311317.3), dbSNP rs780577173, ClinGen allele CA4718392.
Genomic context (GRCh38, chr8:38,418,241, plus strand): 5'-GCAAGCAAGGAATGCCTTCAAAAAGTTGGGAGTCAAAGTATTATTACCTGTCCCGAGGCA[G>C]CTCCCAGCGAGGGTCTTCGGGAAGCTCATACTCAGAGACCCCTGCTAGCATGGGAGTCCC-3'
Protein context (NP_075598.2, residues 463-483): YELPEDPRWE[Leu473Val]PRDRLVLGKP

ClinVar aggregate classification (germline): Uncertain significance (1 of 4 stars; one submission).

Allele frequency attached by ClinVar (database versions not stated): ExAC 0.00001.

Submissions (2):

GeneDx
Classification: Uncertain significance. Last evaluated: 2019-12-19. Review status: criteria provided, single submitter. Criteria: GeneDx Variant Classification Process June 2021. Collection method: clinical testing. Allele origin: germline. Affected: yes.
Comment: Not observed in large population cohorts (Lek et al., 2016); In silico analysis, which includes protein predictors and evolutionary conservation, supports that this variant does not alter protein structure/function; Has not been previously published as pathogenic or benign to our knowledge

Dr. Peter K. Rogan Lab, Western University
No classification provided (evidence only). Condition: Ovarian serous cystadenocarcinoma. Review status: no classification provided. Collection method: in vitro. Allele origin: not applicable. Functional consequence: retained intron. Not counted in ClinVar's aggregate classification.